The following is an entry in ClinVar:

ClinVar aggregate classification (germline): Benign. Review status: criteria provided, multiple submitters, no conflicts (2 of 4 stars). 3 submissions from 3 submitters: Benign (2). 1 of the submissions does not count toward it. Last evaluated 2025-12-08.

Conditions:
GRXCR1-related disorder. Also called: GRXCR1-related condition.

Allele frequency attached by ClinVar (database versions not stated): 1000 Genomes Project 0.00200; 1000 Genomes Project 30x 0.00281; gnomAD 0.00024.
gnomAD v4.1: 638 of 1,613,890 alleles (0.04%); highest among the groups gnomAD compares: South Asian, 0.65%; 9 homozygotes.

Submissions (3):

Labcorp Genetics (formerly Invitae), Labcorp
Classification: Benign. Last evaluated: 2025-12-08. Review status: criteria provided, single submitter. Criteria: Invitae Variant Classification Sherloc (09022015). Collection method: clinical testing. Allele origin: germline.

GeneDx
Classification: Benign. Last evaluated: 2020-11-24. Review status: criteria provided, single submitter. Criteria: GeneDx Variant Classification Process June 2021. Collection method: clinical testing. Allele origin: germline. Affected: yes.

PreventionGenetics, part of Exact Sciences
Classification: Likely benign for GRXCR1-related condition. Last evaluated: 2019-11-14. Review status: no assertion criteria provided. Collection method: clinical testing. Allele origin: germline. Not counted in ClinVar's aggregate classification.
Comment: This variant is classified as likely benign based on ACMG/AMP sequence variant interpretation guidelines (Richards et al. 2015 PMID: 25741868, with internal and published modifications).

NM_001080476.3(GRXCR1):c.190G>A (p.Gly64Ser)

Gene: GRXCR1 (glutaredoxin and cysteine rich domain containing 1; plus strand). Cytogenetic location: 4p13.
Variant type: single nucleotide variant.
Coding change: c.190G>A on transcript NM_001080476.3 (MANE Select); coding-DNA position 190, G replaced by A.
Protein change: p.Gly64Ser; replaces glycine 64 with serine.
Molecular consequence: missense variant.
Genome position (GRCh38, 1-based): chr4:42,893,456, G>A. VCF-style: chr4-42893456-G-A. GRCh37 (hg19) VCF-style: chr4-42895473-G-A.
Other names: short protein forms G64S.
Identifiers: ClinVar variation 1297902 (VCV001297902.7), dbSNP rs370551174, ClinGen allele CA2904339.
Genomic context (GRCh38, chr4:42,893,456, plus strand): 5'-TCTGAATGTGCCAGTATCTGTGGGATAGATGGACTAGGTGATTCCGATGGACAGCAGAAT[G>A]GCCACATAGAGTCAGAAGGTGATGAGAATGAGAATGACCAGGATAGCTTGCTGGTGTTAG-3'
Protein context (NP_001073945.1, residues 54-74): GLGDSDGQQN[Gly64Ser]HIESEGDENE